The following is an entry in ClinVar:

ClinVar aggregate classification (germline): Conflicting classifications of pathogenicity. Review status: criteria provided, conflicting classifications (1 of 4 stars). 3 submissions from 3 submitters: Uncertain significance (1); Likely benign (2). Last evaluated 2024-09-16.

Conditions:
Mitochondrial complex I deficiency, nuclear type 1. Also called: NADH-COENZYME Q REDUCTASE DEFICIENCY; MITOCHONDRIAL NADH DEHYDROGENASE COMPONENT OF COMPLEX I, DEFICIENCY OF. Identifiers: MedGen C6022305, MONDO:0100224, OMIM 252010.

Allele frequency attached by ClinVar (database versions not stated): 1000 Genomes Project 30x 0.00016; 1000 Genomes Project 0.00020; gnomAD exomes 0.00036; ExAC 0.00037; TOPMed 0.00087; gnomAD 0.00091 and 0.00096; ESP Exome Variant Server 0.00100.

Submissions (3):

Blueprint Genetics
Classification: Likely benign. Last evaluated: 2024-09-16. Review status: criteria provided, single submitter. Criteria: ACMG Guidelines, 2015. Collection method: clinical testing. Allele origin: germline.

Illumina Laboratory Services, Illumina
Classification: Uncertain significance for Mitochondrial complex I deficiency, nuclear type 1. Last evaluated: 2018-01-13. Review status: criteria provided, single submitter. Criteria: ICSL Variant Classification Criteria 13 December 2019. Collection method: clinical testing. Allele origin: germline.

GeneDx
Classification: Likely benign. Last evaluated: 2015-11-10. Review status: criteria provided, single submitter. Criteria: GeneDx Variant Classification (06012015). Collection method: clinical testing. Allele origin: germline. Affected: yes.
Comment: This variant is considered likely benign or benign based on one or more of the following criteria: it is a conservative change, it occurs at a poorly conserved position in the protein, it is predicted to be benign by multiple in silico algorithms, and/or has population frequency not consistent with disease.

NM_004553.6(NDUFS6):c.*15C>T

Gene: NDUFS6 (NADH:ubiquinone oxidoreductase subunit S6; plus strand). Cytogenetic location: 5p15.33.
Variant type: single nucleotide variant.
Coding change: c.*15C>T on transcript NM_004553.6 (MANE Select); 15 bases downstream of the stop codon, C replaced by T.
Molecular consequence: 3 prime UTR variant.
Genome position (GRCh38, 1-based): chr5:1,815,931, C>T. VCF-style: chr5-1815931-C-T. GRCh37 (hg19) VCF-style: chr5-1816045-C-T.
Identifiers: ClinVar variation 353195 (VCV000353195.6), dbSNP rs200445799, ClinGen allele CA3187732.